The following is an entry in ClinVar:

NM_001354712.2(THRB):c.1357C>G (p.Pro453Ala)

Gene: THRB (thyroid hormone receptor beta; minus strand). Cytogenetic location: 3p24.2.
Variant type: single nucleotide variant.
Coding change: c.1357C>G on transcript NM_001354712.2 (MANE Select); coding-DNA position 1357, C replaced by G.
Protein change: p.Pro453Ala; replaces proline 453 with alanine.
Molecular consequence: missense variant.
Genome position (GRCh38, 1-based): chr3:24,122,913, G>C on the plus strand (C>G on the coding strand, the complement: THRB is on the minus strand). VCF-style: chr3-24122913-G-C. GRCh37 (hg19) VCF-style: chr3-24164404-G-C.
Other names: c.1357C>G, p.Pro453Ala (NM_000461.5, NM_001128176.3, NM_001128177.2 and 6 more transcripts); c.1264C>G, p.Pro422Ala (NM_001354714.2, NM_001354715.2); short protein forms P453A, P422A.
Identifiers: ClinVar variation 492924 (VCV000492924.10), dbSNP rs28933408, ClinGen allele CA2287079.

ClinVar aggregate classification (germline): Pathogenic/Likely pathogenic. Review status: criteria provided, multiple submitters, no conflicts (2 of 4 stars). 9 submissions from 9 submitters: Pathogenic (5); Likely pathogenic (3). 1 of the submissions does not count toward it. Last evaluated 2025-12-30.

Conditions:
THRB-related disorder. Also called: THRB-related condition.
Thyroid hormone resistance, generalized, autosomal dominant (GRTHD). Also called: HYPERTHYROXINEMIA, FAMILIAL EUTHYROID, SECONDARY TO PITUITARY AND PERIPHERAL RESISTANCE TO THYROID HORMONES. Identifiers: MedGen C2937288, MONDO:0008569, OMIM 188570.

Allele frequency attached by ClinVar (database versions not stated): gnomAD exomes below 0.00001 and 0.00001; TOPMed below 0.00001; gnomAD 0.00001; 1000 Genomes Project 30x 0.00016; 1000 Genomes Project 0.00020.
gnomAD v4.1: 8 of 1,614,162 alleles (0.0005%); highest among the groups gnomAD compares: East Asian, 0.0022%; no homozygotes.

Submissions (9):

OLLIN Analises Genomicas, OLLIN
Classification: Likely pathogenic for Thyroid hormone resistance, generalized, autosomal dominant. Last evaluated: 2025-12-30. Review status: criteria provided, single submitter. Criteria: ACMG Guidelines 2015 PMID 25741868. Collection method: clinical testing. Allele origin: germline. Affected: yes. Observed: 1 variant allele.
Comment: The missense variant (chr3:24122913G>C), located in exon 11 (of 11) in a known mutational hotspot, is reported in ClinVar (VCV000492924.7), in gnomAD v4.1 non-UKB with an allele frequency of 0.00077%, and in the scientific literature, also segregating with the phenotype, in several individuals with thyroid hormone resistance (PMID: 8040303, 25040256, 23633200, 18561095, 27980311, 23240983, 30672388, 15966514). Functional studies suggest that this variant affects protein function (PMID: 8040303, 25040256) and in silico analysis predicts that it has a deleterious effect. This gene shows low tolerance to missense variantion, and at least four other pathogenic variants that alter this same residue to another amino acid have been described (ClinVar IDs: VCV000012550.14, VCV000439310.6, VCV002573412.1, VCV000012537.2). According to the currently available evidence, this variant has been classified as likely pathogenic (PS3_P, PS4_M, PM1, PM5, PP1, PP2, PP3_M).

Medical and Scientific Branch, Hong Kong Genome Institute
Classification: Likely pathogenic for Thyroid hormone resistance, generalized, autosomal dominant. Last evaluated: 2025-10-11. Review status: criteria provided, single submitter. Criteria: ACMG Guidelines, 2015. Collection method: clinical testing. Allele origin: germline. Affected: yes.

PreventionGenetics, part of Exact Sciences
Classification: Pathogenic for THRB-related condition. Last evaluated: 2025-04-15. Review status: criteria provided, single submitter. Criteria: ACMG Guidelines, 2015. Collection method: clinical testing. Allele origin: germline.
Comment: The THRB c.1357C>G variant is predicted to result in the amino acid substitution p.Pro453Ala. This variant has been reported in multiple unrelated individuals with thyroid hormone resistance (Adams et al 1994. PubMed ID: 8040303; Safer et al 1998. PubMed ID:9804773; Macchia et al 2014. PubMed ID: 25040256). This variant is reported in 0.0050% of alleles in individuals of East Asian descent in gnomAD. This variant is interpreted as pathogenic.

Quest Diagnostics Nichols Institute San Juan Capistrano
Classification: Pathogenic. Last evaluated: 2024-07-12. Review status: criteria provided, single submitter. Criteria: Quest Diagnostics criteria. Collection method: clinical testing. Allele origin: unknown.
Comment: The THRB c.1357C>G (p.Pro453Ala) variant has been reported in the published literature in several individuals with resistance to thyroid hormone (RTH) (PMIDs: 34727089 (2021), 30672388 (2019), 27980311 (2016), 8040303 (1994)), and to segregate with disease in at least one family (PMID: 23633200 (2013)). Experimental studies indicate this variant has deleterious effects on THRB protein functions (PMIDs: 25040256 (2014), 23633200 (2013), 9092799 (1997), 8040303 (1994)). The frequency of this variant in the general population, 0.00001 (3/282886 chromosomes (Genome Aggregation Database)), is consistent with pathogenicity. Based on the available information, this variant is classified as pathogenic.

Blueprint Genetics
Classification: Pathogenic for THRB-related disorders. Last evaluated: 2024-01-25. Review status: criteria provided, single submitter. Criteria: ACMG Guidelines, 2015. Collection method: clinical testing. Allele origin: germline. Affected: yes. Observed: 5 variant alleles.

GeneDx
Classification: Likely pathogenic. Last evaluated: 2022-12-02. Review status: criteria provided, single submitter. Criteria: GeneDx Variant Classification Process June 2021. Collection method: clinical testing. Allele origin: germline. Affected: yes.
Comment: Published functional studies demonstrate a damaging effect: reduced T3 binding affinity (Adams et al., 1994; Macchia et al., 2014); In silico analysis supports that this missense variant has a deleterious effect on protein structure/function; This variant is associated with the following publications: (PMID: 25040256, 8040303, 23633200, 18561095, 27980311, 23240983, 30672388, 15966514)

Clinical Genetics Laboratory, Skane University Hospital Lund
Classification: Pathogenic. Last evaluated: 2022-07-13. Review status: criteria provided, single submitter. Criteria: ACMG Guidelines, 2015. Collection method: clinical testing. Allele origin: germline. Affected: yes.

Women's Health and Genetics/Laboratory Corporation of America, LabCorp
Classification: Pathogenic for Thyroid hormone resistance, generalized, autosomal dominant. Last evaluated: 2022-06-08. Review status: criteria provided, single submitter. Criteria: LabCorp Variant Classification Summary - May 2015. Collection method: clinical testing. Allele origin: germline.
Comment: Variant summary: THRB c.1357C>G (p.Pro453Ala) results in a non-conservative amino acid change located in the Nuclear hormone receptor, ligand-binding domain of the encoded protein sequence. Five of five in-silico tools predict a damaging effect of the variant on protein function. The variant allele was found at a frequency of 8e-06 in 251490 control chromosomes. c.1357C>G has been reported in the literature in multiple individuals affected with Thyroid Hormone Resistance, Generalized, Autosomal Dominant (Ferrara_2013, Kurozumi_2016, Macchia_2014, Adams_1994). These data indicate that the variant is very likely to be associated with disease. The variant has been shown experimentally to bind hormone similarly to wild-type, but fails to release from corepressor, and is readily degraded by carboxypeptidase Y in both the absence and the presence of hormone, suggesting that the C terminus of this mutant fails to sequester properly (Lin_1997). Two clinical diagnostic laboratories have submitted clinical-significance assessments for this variant to ClinVar after 2014 without evidence for independent evaluation. All laboratories classified the variant as pathogenic. Based on the evidence outlined above, the variant was classified as pathogenic.

Clinical Molecular Genetics Laboratory, Johns Hopkins All Children's Hospital
Classification: Pathogenic for Thyroid hormone resistance, generalized, autosomal dominant. Last evaluated: 2016-05-03. Review status: no assertion criteria provided. Collection method: clinical testing. Allele origin: germline. Affected: yes. Not counted in ClinVar's aggregate classification.

Literature cited by the submitters: PubMed 8040303 (cited by 3 submitters); PubMed 25040256 (cited by 3 submitters); PubMed 23633200 (cited by 3 submitters); PubMed 18561095 (cited by OLLIN Analises Genomicas, OLLIN); PubMed 27980311 (cited by 3 submitters); PubMed 23240983 (cited by OLLIN Analises Genomicas, OLLIN); PubMed 30672388 (cited by OLLIN Analises Genomicas, OLLIN and Quest Diagnostics Nichols Institute San Juan Capistrano); PubMed 15966514 (cited by OLLIN Analises Genomicas, OLLIN); PubMed 11458173 (cited by Quest Diagnostics Nichols Institute San Juan Capistrano); PubMed 34727089 (cited by Quest Diagnostics Nichols Institute San Juan Capistrano); PubMed 9804773 (cited by Quest Diagnostics Nichols Institute San Juan Capistrano); PubMed 9707435 (cited by Quest Diagnostics Nichols Institute San Juan Capistrano); PubMed 9092799 (cited by Quest Diagnostics Nichols Institute San Juan Capistrano); PubMed 25905418 (cited by Quest Diagnostics Nichols Institute San Juan Capistrano); PubMed 9315673 (cited by Women's Health and Genetics/Laboratory Corporation of America, LabCorp); PubMed 10350052 (cited by Women's Health and Genetics/Laboratory Corporation of America, LabCorp).